The following is an entry in ClinVar:

ClinVar aggregate classification (germline): Uncertain significance (1 of 4 stars; one submission).

Allele frequency attached by ClinVar (database versions not stated): gnomAD exomes below 0.00001; ExAC 0.00003; TOPMed 0.00003; gnomAD 0.00004; 1000 Genomes Project 0.00020; 1000 Genomes Project 30x 0.00031.
gnomAD v4.1: 11 of 1,605,768 alleles (0.00069%); highest among the groups gnomAD compares: African/African-American, 0.0093%; no homozygotes.

Submission:

Labcorp Genetics (formerly Invitae), Labcorp
Classification: Uncertain significance. Last evaluated: 2023-02-10. Review status: criteria provided, single submitter. Criteria: Invitae Variant Classification Sherloc (09022015). Collection method: clinical testing. Allele origin: germline.
Comment: This sequence change replaces glutamic acid, which is acidic and polar, with lysine, which is basic and polar, at codon 756 of the PLEKHM2 protein (p.Glu756Lys). The frequency data for this variant in the population databases is considered unreliable, as metrics indicate poor data quality at this position in the gnomAD database. This variant has not been reported in the literature in individuals affected with PLEKHM2-related conditions. ClinVar contains an entry for this variant (Variation ID: 1447498). Algorithms developed to predict the effect of missense changes on protein structure and function (SIFT, PolyPhen-2, Align-GVGD) all suggest that this variant is likely to be tolerated. In summary, the available evidence is currently insufficient to determine the role of this variant in disease. Therefore, it has been classified as a Variant of Uncertain Significance.

NM_015164.4(PLEKHM2):c.2266G>A (p.Glu756Lys)

Gene: PLEKHM2 (pleckstrin homology and RUN domain containing M2; plus strand). Cytogenetic location: 1p36.21.
Variant type: single nucleotide variant.
Coding change: c.2266G>A on transcript NM_015164.4 (MANE Select); coding-DNA position 2266, G replaced by A.
Protein change: p.Glu756Lys; replaces glutamic acid 756 with lysine.
Molecular consequence: missense variant.
Genome position (GRCh38, 1-based): chr1:15,730,589, G>A. VCF-style: chr1-15730589-G-A. GRCh37 (hg19) VCF-style: chr1-16057084-G-A.
Other names: short protein forms E756K.
Identifiers: ClinVar variation 1447498 (VCV001447498.7), dbSNP rs571147456, ClinGen allele CA617198.